The following is an entry in ClinVar:

ClinVar aggregate classification (germline): Pathogenic (1 of 4 stars; one submission).

Conditions:
Primary ciliary dyskinesia. Also called: Ciliary dyskinesia. Identifiers: Orphanet 244, MedGen C0008780, MONDO:0016575, HP:0012265.

Allele frequency attached by ClinVar (database versions not stated): gnomAD exomes below 0.00001.

Submission:

Labcorp Genetics (formerly Invitae), Labcorp
Classification: Pathogenic for Primary ciliary dyskinesia. Last evaluated: 2022-11-19. Review status: criteria provided, single submitter. Criteria: Invitae Variant Classification Sherloc (09022015). Collection method: clinical testing. Allele origin: germline.
Comment: For these reasons, this variant has been classified as Pathogenic. This variant has not been reported in the literature in individuals affected with RSPH1-related conditions. This variant is not present in population databases (gnomAD no frequency). This sequence change creates a premature translational stop signal (p.Met264Glufs*5) in the RSPH1 gene. It is expected to result in an absent or disrupted protein product. Loss-of-function variants in RSPH1 are known to be pathogenic (PMID: 23993197).

Literature cited by the submitters: PubMed 23993197.

NM_080860.4(RSPH1):c.790_791del (p.Met264fs)

Gene: RSPH1 (radial spoke head component 1; minus strand). Cytogenetic location: 21q22.3.
Variant type: Deletion.
Coding change: c.790_791del on transcript NM_080860.4 (MANE Select); coding-DNA positions 790 to 791, 2 bases deleted (AT; older notation c.790_791delAT).
Protein change: p.Met264fs; shifts the reading frame from methionine 264.
Molecular consequence: frameshift variant.
Genome position (GRCh38, 1-based): chr21:42,475,984-42,475,985, AT deleted on the plus strand (AT on the coding strand, the reverse complement: RSPH1 is on the minus strand). VCF-style (leftmost placement, unchanged base first): chr21-42475983-CAT-C. GRCh37 (hg19) VCF-style: chr21-43896093-CAT-C.
Other names: c.676_677del, p.Met226fs (NM_001286506.2); short protein forms M264fs, M226fs.
Identifiers: ClinVar variation 2996041 (VCV002996041.3), dbSNP rs2517329452, ClinGen allele CA2654688140.